The following is an entry in ClinVar:

ClinVar aggregate classification (germline): Uncertain significance. Review status: criteria provided, multiple submitters, no conflicts (2 of 4 stars). 2 submissions from 2 submitters: Uncertain significance (2). Last evaluated 2025-12-09.

Conditions:
Muscular dystrophy-dystroglycanopathy (congenital with brain and eye anomalies), type A9. Also called: WALKER-WARBURG SYNDROME OR MUSCLE-EYE BRAIN DISEASE, DAG1-RELATED; Muscular dystrophy-dystroglycanopathy (congenital with brain and eye anomalies), type a, 9. Identifiers: Orphanet 370997, Orphanet 899, MedGen C4225291, MONDO:0014683, OMIM 616538.
Autosomal recessive limb-girdle muscular dystrophy type 2P. Also called: MUSCULAR DYSTROPHY-DYSTROGLYCANOPATHY, LIMB-GIRDLE, DAG1-RELATED; MUSCULAR DYSTROPHY, LIMB-GIRDLE, TYPE 2P; Limb-Girdle Muscular Dystrophy Type 9C. Identifiers: Orphanet 280333, MedGen C4511963, MONDO:0013440, OMIM 613818.
Inborn genetic diseases. Identifiers: MedGen C0950123, MeSH D030342.

Submissions (2):

Labcorp Genetics (formerly Invitae), Labcorp
Classification: Uncertain significance for Autosomal recessive limb-girdle muscular dystrophy type 2P; Muscular dystrophy-dystroglycanopathy (congenital with brain and eye anomalies), type A9. Last evaluated: 2025-12-09. Review status: criteria provided, single submitter. Criteria: Invitae Variant Classification Sherloc (09022015). Collection method: clinical testing. Allele origin: germline.
Comment: This sequence change replaces proline, which is neutral and non-polar, with alanine, which is neutral and non-polar, at codon 852 of the DAG1 protein (p.Pro852Ala). This variant is present in population databases (rs372560118, gnomAD 0.003%). This variant has not been reported in the literature in individuals affected with DAG1-related conditions. ClinVar contains an entry for this variant (Variation ID: 4237481). Invitae Evidence Modeling of protein sequence and biophysical properties (such as structural, functional, and spatial information, amino acid conservation, physicochemical variation, residue mobility, and thermodynamic stability) indicates that this missense variant is not expected to disrupt DAG1 protein function with a negative predictive value of 80%. In summary, the available evidence is currently insufficient to determine the role of this variant in disease. Therefore, it has been classified as a Variant of Uncertain Significance.

Ambry Genetics
Classification: Uncertain significance for Inborn genetic diseases. Last evaluated: 2025-07-15. Review status: criteria provided, single submitter. Criteria: Ambry Variant Classification Scheme 2023. Collection method: clinical testing. Allele origin: germline.

NM_004393.6(DAG1):c.2554C>G (p.Pro852Ala)

Gene: DAG1 (dystroglycan 1; plus strand). Cytogenetic location: 3p21.31.
Variant type: single nucleotide variant.
Coding change: c.2554C>G on transcript NM_004393.6 (MANE Select); coding-DNA position 2554, C replaced by G.
Protein change: p.Pro852Ala; replaces proline 852 with alanine.
Molecular consequence: missense variant.
Genome position (GRCh38, 1-based): chr3:49,533,065, C>G. VCF-style: chr3-49533065-C-G. GRCh37 (hg19) VCF-style: chr3-49570498-C-G.
Other names: c.2554C>G, p.Pro852Ala (NM_001165928.4, NM_001177634.3, NM_001177635.3 and 18 more transcripts); short protein forms P852A.
Identifiers: ClinVar variation 4237481 (VCV004237481.2).
Genomic context (GRCh38, chr3:49,533,065, plus strand): 5'-CCCAACCAGAGTGTGCCCGAGACCACTCCTCTGAACCAGGACACCATGGGAGAGTACACG[C>G]CCCTGCGGGATGAGGATCCCAATGCGCCTCCCTACCAGCCCCCACCGCCCTTCACAGCAC-3'
Protein context (NP_004384.5, residues 842-862): LNQDTMGEYT[Pro852Ala]LRDEDPNAPP